The following is an entry in ClinVar:

ClinVar aggregate classification (germline): Pathogenic (1 of 4 stars; one submission).

Conditions:
Cockayne spectrum with or without cerebrooculofacioskeletal syndrome. Identifiers: MedGen CN315928, MONDO:0100506.

Submission:

Myriad Genetics, Inc.
Classification: Pathogenic for Cockayne spectrum with or without cerebrooculofacioskeletal syndrome. Last evaluated: 2025-06-14. Review status: criteria provided, single submitter. Criteria: Myriad Autosomal Dominant, Autosomal Recessive and X-Linked Classification Criteria (2023). Collection method: clinical testing. Allele origin: unknown.
Comment: NM_000124.2(ERCC6):c.3200_3201delCA(T1067Ifs*3) is expected to be pathogenic in the context of ERCC6-related disorders. This variant is predicted to lead to an abnormal or absent protein product due to the creation of a premature termination codon in ERCC6, a gene where loss-of-function variants are known to be pathogenic. Please note: this variant was assessed in the context of healthy population screening.

NM_000124.4(ERCC6):c.3200_3201del (p.Thr1067fs)

Gene: ERCC6 (ERCC excision repair 6, chromatin remodeling factor; minus strand). Cytogenetic location: 10q11.23.
Variant type: Microsatellite.
Coding change: c.3200_3201del on transcript NM_000124.4 (MANE Select); coding-DNA positions 3200 to 3201, 2 bases deleted (CA; older notation c.3200_3201delCA).
Protein change: p.Thr1067fs; shifts the reading frame from threonine 1067.
Molecular consequence: frameshift variant.
Genome position (GRCh38, 1-based): chr10:49,470,759-49,470,760, TG deleted on the plus strand (CA on the coding strand, the reverse complement: ERCC6 is on the minus strand); deleting any 2 consecutive bases within chr10:49,470,759-49,470,762 gives the same sequence; the c. name uses the placement nearest the transcript's 3' end. VCF-style (leftmost placement, unchanged base first): chr10-49470758-ATG-A. GRCh37 (hg19) VCF-style: chr10-50678804-ATG-A.
Other names: c.3200_3201del, p.Thr1067fs (NM_001346440.2); short protein forms T1067fs.
Identifiers: ClinVar variation 5014590 (VCV005014590.1).